The following is an entry in ClinVar:

NM_003126.4(SPTA1):c.6989G>A (p.Arg2330Lys)

Gene: SPTA1 (spectrin alpha, erythrocytic 1; minus strand). Cytogenetic location: 1q23.1.
Variant type: single nucleotide variant.
Coding change: c.6989G>A on transcript NM_003126.4 (MANE Select); coding-DNA position 6989, G replaced by A.
Protein change: p.Arg2330Lys; replaces arginine 2330 with lysine.
Molecular consequence: missense variant.
Genome position (GRCh38, 1-based): chr1:158,613,721, C>T on the plus strand (G>A on the coding strand, the complement: SPTA1 is on the minus strand). VCF-style: chr1-158613721-C-T. GRCh37 (hg19) VCF-style: chr1-158583511-C-T.
Other names: short protein forms R2330K.
Identifiers: ClinVar variation 2629753 (VCV002629753.1), dbSNP rs2526170746, ClinGen allele CA343012547.

ClinVar aggregate classification (germline): Uncertain significance (1 of 4 stars; one submission).

Conditions:
SPTA1-related disorder. Also called: SPTA1-related disorders; SPTA1-related condition.

Submission:

PreventionGenetics, part of Exact Sciences
Classification: Uncertain significance for SPTA1-related condition. Last evaluated: 2022-12-30. Review status: criteria provided, single submitter. Criteria: ACMG Guidelines, 2015. Collection method: clinical testing. Allele origin: germline.
Comment: The SPTA1 c.6989G>A variant is predicted to result in the amino acid substitution p.Arg2330Lys. To our knowledge, this variant has not been reported in the literature or in a large population database, indicating this variant is rare. At this time, the clinical significance of this variant is uncertain due to the absence of conclusive functional and genetic evidence.